The following is an entry in ClinVar:

NM_005751.5(AKAP9):c.7185G>C (p.Lys2395Asn)

Gene: AKAP9 (A-kinase anchoring protein 9; plus strand). Cytogenetic location: 7q21.2.
Variant type: single nucleotide variant.
Coding change: c.7185G>C on transcript NM_005751.5 (MANE Select); coding-DNA position 7185, G replaced by C.
Protein change: p.Lys2395Asn; replaces lysine 2395 with asparagine.
Molecular consequence: missense variant.
Genome position (GRCh38, 1-based): chr7:92,079,318, G>C. VCF-style: chr7-92079318-G-C. GRCh37 (hg19) VCF-style: chr7-91708632-G-C.
Other names: c.1830G>C, p.Lys610Asn (NM_001379277.1); c.7161G>C, p.Lys2387Asn (NM_147185.3); short protein forms K2395N, K610N, K2387N.
Identifiers: ClinVar variation 4265418 (VCV004265418.1).

ClinVar aggregate classification (germline): Uncertain significance (1 of 4 stars; one submission).

Conditions:
Cardiovascular phenotype. Identifiers: MedGen CN230736.

gnomAD v4.1: 1 of 1,614,028 alleles (0.000062%); highest among the groups gnomAD compares: Non-Finnish European, 0.000085%; no homozygotes.

Submission:

Ambry Genetics
Classification: Uncertain significance for Cardiovascular phenotype. Last evaluated: 2025-08-31. Review status: criteria provided, single submitter. Criteria: Ambry Variant Classification Scheme 2023. Collection method: clinical testing. Allele origin: germline.
Comment: The p.K2395N variant (also known as c.7185G>C), located in coding exon 31 of the AKAP9 gene, results from a G to C substitution at nucleotide position 7185. The lysine at codon 2395 is replaced by asparagine, an amino acid with similar properties. This amino acid position is conserved. In addition, this alteration is predicted to be tolerated by in silico analysis. Based on the available evidence, the clinical significance of this variant remains unclear.